The following is an entry in ClinVar:

ClinVar aggregate classification (germline): Uncertain significance. Review status: criteria provided, multiple submitters, no conflicts (2 of 4 stars). 2 submissions from 2 submitters: Uncertain significance (2). Last evaluated 2026-02-04.

Conditions:
Inborn genetic diseases. Identifiers: MedGen C0950123, MeSH D030342.

Allele frequency attached by ClinVar (database versions not stated): gnomAD 0.00001.
gnomAD v4.1: 1 of 1,610,850 alleles (0.000062%); highest among the groups gnomAD compares: African/African-American, 0.0013%; no homozygotes.

Submissions (2):

GeneDx
Classification: Uncertain significance. Last evaluated: 2026-02-04. Review status: criteria provided, single submitter. Criteria: GeneDx Variant Classification Process June 2021. Collection method: clinical testing. Allele origin: germline.
Comment: Not observed at significant frequency in large population cohorts (gnomAD); In silico analysis suggests that this missense variant does not alter protein structure/function; Has not been previously published as pathogenic or benign to our knowledge

Ambry Genetics
Classification: Uncertain significance for Inborn genetic diseases. Last evaluated: 2022-07-12. Review status: criteria provided, single submitter. Criteria: Ambry Variant Classification Scheme 2023. Collection method: clinical testing. Allele origin: germline.

NM_003601.4(SMARCA5):c.2080A>G (p.Lys694Glu)

Gene: SMARCA5 (SNF2 related chromatin remodeling ATPase 5; plus strand). Cytogenetic location: 4q31.21.
Variant type: single nucleotide variant.
Coding change: c.2080A>G on transcript NM_003601.4 (MANE Select); coding-DNA position 2080, A replaced by G.
Protein change: p.Lys694Glu; replaces lysine 694 with glutamic acid.
Molecular consequence: missense variant.
Genome position (GRCh38, 1-based): chr4:143,543,880, A>G. VCF-style: chr4-143543880-A-G. GRCh37 (hg19) VCF-style: chr4-144465033-A-G.
Other names: short protein forms K694E.
Identifiers: ClinVar variation 2300930 (VCV002300930.3), dbSNP rs1737475421, ClinGen allele CA358339076.